The following is an entry in ClinVar:

NM_004612.4(TGFBR1):c.91G>T (p.Ala31Ser)

Gene: TGFBR1 (transforming growth factor beta receptor 1; plus strand). Cytogenetic location: 9q22.33.
Variant type: single nucleotide variant.
Coding change: c.91G>T on transcript NM_004612.4 (MANE Select); coding-DNA position 91, G replaced by T.
Protein change: p.Ala31Ser; replaces alanine 31 with serine.
Molecular consequence: missense variant.
Genome position (GRCh38, 1-based): chr9:99,105,296, G>T. VCF-style: chr9-99105296-G-T. GRCh37 (hg19) VCF-style: chr9-101867578-G-T.
Other names: c.91G>T, p.Ala31Ser (NM_001130916.3, NM_001306210.2, NM_001407416.1 and 5 more transcripts); c.-253G>T (NM_001407420.1, NM_001407429.1); c.-222G>T (NM_001407422.1, NM_001407426.1); c.-177G>T (NM_001407428.1); short protein forms A31S.
Identifiers: ClinVar variation 2091453 (VCV002091453.4), dbSNP rs1291691916, ClinGen allele CA374223886.

ClinVar aggregate classification (germline): Uncertain significance (1 of 4 stars; one submission).

Conditions:
Familial thoracic aortic aneurysm and aortic dissection (TAAD). Also called: Thoracic aortic aneurysms and dissections. Identifiers: Orphanet 91387, MedGen C4707243, MONDO:0019625.

Submission:

Labcorp Genetics (formerly Invitae), Labcorp
Classification: Uncertain significance for Familial thoracic aortic aneurysm and aortic dissection. Last evaluated: 2022-02-01. Review status: criteria provided, single submitter. Criteria: Invitae Variant Classification Sherloc (09022015). Collection method: clinical testing. Allele origin: germline.
Comment: In summary, the available evidence is currently insufficient to determine the role of this variant in disease. Therefore, it has been classified as a Variant of Uncertain Significance. Advanced modeling of protein sequence and biophysical properties (such as structural, functional, and spatial information, amino acid conservation, physicochemical variation, residue mobility, and thermodynamic stability) performed at Invitae indicates that this missense variant is not expected to disrupt TGFBR1 protein function. This variant has not been reported in the literature in individuals affected with TGFBR1-related conditions. The frequency data for this variant in the population databases is considered unreliable, as metrics indicate insufficient coverage at this position in the gnomAD database. This sequence change replaces alanine, which is neutral and non-polar, with serine, which is neutral and polar, at codon 31 of the TGFBR1 protein (p.Ala31Ser).